The following is an entry in ClinVar:

NM_001135254.2(PAX7):c.336G>A (p.Pro112=)

Gene: PAX7 (paired box 7; plus strand). Cytogenetic location: 1p36.13.
Variant type: single nucleotide variant.
Coding change: c.336G>A on transcript NM_001135254.2 (MANE Select); coding-DNA position 336, G replaced by A.
Protein change: p.Pro112=; no amino-acid change (proline 112 retained).
Molecular consequence: synonymous variant.
Genome position (GRCh38, 1-based): chr1:18,635,125, G>A. VCF-style: chr1-18635125-G-A. GRCh37 (hg19) VCF-style: chr1-18961619-G-A.
Other names: c.336G>A (NM_002584.2); c.336G>A, p.Pro112= (NM_002584.3, NM_013945.3).
Identifiers: ClinVar variation 1694496 (VCV001694496.32), dbSNP rs371150760, ClinGen allele CA645640.

ClinVar aggregate classification (germline): Likely benign. Review status: criteria provided, single submitter (1 of 4 stars). 2 submissions from 2 submitters: Likely benign (1). 1 of the submissions does not count toward it. Last evaluated 2026-08-01.

Conditions:
PAX7-related disorder. Also called: PAX7-related condition.

Allele frequency attached by ClinVar (database versions not stated): ESP Exome Variant Server 0.00015; TOPMed 0.00023; gnomAD 0.00024 and 0.00021; gnomAD exomes 0.00045 and 0.00023; ExAC 0.00018.
gnomAD v4.1: 682 of 1,613,536 alleles (0.042%); highest among the groups gnomAD compares: Non-Finnish European, 0.053%; 1 homozygote.

Submissions (2):

CeGaT Center for Human Genetics Tuebingen
Classification: Likely benign. Last evaluated: 2026-08-01. Review status: criteria provided, single submitter. Criteria: CeGaT Center For Human Genetics Tuebingen Variant Classification Criteria Version 2. Collection method: clinical testing. Allele origin: germline. Affected: yes. Observed: 2 variant alleles.
Comment: PAX7: BP4, BP7

PreventionGenetics, part of Exact Sciences
Classification: Likely benign for PAX7-related condition. Last evaluated: 2019-06-24. Review status: no assertion criteria provided. Collection method: clinical testing. Allele origin: germline. Not counted in ClinVar's aggregate classification.
Comment: This variant is classified as likely benign based on ACMG/AMP sequence variant interpretation guidelines (Richards et al. 2015 PMID: 25741868, with internal and published modifications).